The following is an entry in ClinVar:

ClinVar aggregate classification (germline): Uncertain significance (1 of 4 stars; one submission).

Allele frequency attached by ClinVar (database versions not stated): gnomAD 0.00001; TOPMed 0.00001.

Submission:

Labcorp Genetics (formerly Invitae), Labcorp
Classification: Uncertain significance. Last evaluated: 2022-08-10. Review status: criteria provided, single submitter. Criteria: Invitae Variant Classification Sherloc (09022015). Collection method: clinical testing. Allele origin: germline.
Comment: This sequence change affects the initiator methionine of the SCO1 mRNA. The next in-frame methionine is located at codon 3. This variant is present in population databases (rs759403860, gnomAD 0.02%). This variant has not been reported in the literature in individuals affected with SCO1-related conditions. Experimental studies and prediction algorithms are not available or were not evaluated, and the functional significance of this variant is currently unknown. In summary, the available evidence is currently insufficient to determine the role of this variant in disease. Therefore, it has been classified as a Variant of Uncertain Significance.

NM_004589.4(SCO1):c.1A>G (p.Met1Val)

Genes: SCO1 (synthesis of cytochrome C oxidase 1; minus strand), LOC112529895 (Sharpr-MPRA regulatory region 5903; plus strand). Cytogenetic location: 17p13.1.
Variant type: single nucleotide variant.
Coding change: c.1A>G on transcript NM_004589.4 (MANE Select); coding-DNA position 1, A replaced by G.
Protein change: p.Met1Val; changes the start codon (methionine 1).
Molecular consequence: missense variant, initiator codon variant.
Genome position (GRCh38, 1-based): chr17:10,697,507, T>C on the plus strand (A>G on the coding strand, the complement: SCO1 is on the minus strand). VCF-style: chr17-10697507-T-C. GRCh37 (hg19) VCF-style: chr17-10600824-T-C.
Other names: short protein forms M1V.
Identifiers: ClinVar variation 1967615 (VCV001967615.6), dbSNP rs759403860, ClinGen allele CA8393745.